The following is an entry in ClinVar:

NM_023110.3(FGFR1):c.42C>T (p.Val14=)

Gene: FGFR1 (fibroblast growth factor receptor 1; minus strand). Cytogenetic location: 8p11.23.
Variant type: single nucleotide variant.
Coding change: c.42C>T on transcript NM_023110.3 (MANE Select); coding-DNA position 42, C replaced by T.
Protein change: p.Val14=; no amino-acid change (valine 14 retained).
Molecular consequence: synonymous variant. On other transcripts: 5 prime UTR variant (1).
Genome position (GRCh38, 1-based): chr8:38,457,405, G>A on the plus strand (C>T on the coding strand, the complement: FGFR1 is on the minus strand). VCF-style: chr8-38457405-G-A. GRCh37 (hg19) VCF-style: chr8-38314923-G-A.
Other names: c.42C>T, p.Val14= (NM_000604.2, NM_001174063.2, NM_001174065.2 and 9 more transcripts); c.-51C>T (NM_001174064.2); c.141C>T, p.Val47= (NM_001174067.2).
Identifiers: ClinVar variation 2954562 (VCV002954562.5), dbSNP rs1016034870, ClinGen allele CA175774445.
Genomic context (GRCh38, chr8:38,457,405, plus strand): 5'-CAGCACCTTACCTTGTTCAGGCAAGGTCGGGGACGGCCTAGCGGTGCAGAGTGTGGCTGT[G>A]ACCAGCACAGCCCAGAAGAGGAGGCACTTCCAGCTCCACATCCCAGTTCTGCAGTTAGAG-3'
Protein context (NP_075598.2, residues 4-24): WKCLLFWAVL[Val14=]TATLCTARPS

ClinVar aggregate classification (germline): Likely benign. Review status: criteria provided, multiple submitters, no conflicts (2 of 4 stars). 2 submissions from 2 submitters: Likely benign (2). Last evaluated 2024-02-15.

Conditions:
Pfeiffer syndrome (ACS5). Also called: ACS V. Identifiers: Orphanet 710, MedGen C0220658, MONDO:0007043, OMIM 101600.
Hypogonadotropic hypogonadism 2 with or without anosmia (HH2). Also called: FGFR1-Related GnRH Deficiency (Kallmann Syndrome 2); HYPOGONADOTROPIC HYPOGONADISM 2 WITHOUT ANOSMIA; HYPOGONADOTROPIC HYPOGONADISM 2 WITH OR WITHOUT ANOSMIA, SUSCEPTIBILITY TO; HYPOGONADOTROPIC HYPOGONADISM 2 WITHOUT ANOSMIA, SUSCEPTIBILITY TO. Identifiers: Orphanet 478, MedGen C1563720, MONDO:0007844, OMIM 147950. Disease mechanism: loss of function.

Allele frequency attached by ClinVar (database versions not stated): TOPMed 0.00002.
gnomAD v4.1: 8 of 1,613,930 alleles (0.0005%); highest among the groups gnomAD compares: Admixed American, 0.0033%; no homozygotes.

Submissions (2):

Women's Health and Genetics/Laboratory Corporation of America, LabCorp
Classification: Likely benign. Last evaluated: 2024-02-15. Review status: criteria provided, single submitter. Criteria: LabCorp Variant Classification Summary - May 2015. Collection method: clinical testing. Allele origin: germline.
Comment: Variant summary: FGFR1 c.42C>T alters a conserved nucleotide resulting in a synonymous change. Consensus agreement among computation tools predict no significant impact on normal splicing. However, these predictions have yet to be confirmed by functional studies. The variant allele was found at a frequency of 8e-06 in 250726 control chromosomes. The available data on variant occurrences in the general population are insufficient to allow any conclusion about variant significance. To our knowledge, no occurrence of c.42C>T in individuals affected with FGFR1-Related Disorders and no experimental evidence demonstrating its impact on protein function have been reported. No submitters have cited clinical-significance assessments for this variant to ClinVar. Based on the evidence outlined above, the variant was classified as likely benign.

Labcorp Genetics (formerly Invitae), Labcorp
Classification: Likely benign for Pfeiffer syndrome; Hypogonadotropic hypogonadism 2 with or without anosmia. Last evaluated: 2023-07-28. Review status: criteria provided, single submitter. Criteria: Invitae Variant Classification Sherloc (09022015). Collection method: clinical testing. Allele origin: germline.